The following is an entry in ClinVar:

NM_024422.6(DSC2):c.1900C>T (p.Arg634Cys)

Gene: DSC2 (desmocollin 2; minus strand). Cytogenetic location: 18q12.1.
Variant type: single nucleotide variant.
Coding change: c.1900C>T on transcript NM_024422.6 (MANE Select); coding-DNA position 1900, C replaced by T.
Protein change: p.Arg634Cys; replaces arginine 634 with cysteine.
Molecular consequence: missense variant.
Genome position (GRCh38, 1-based): chr18:31,071,830, G>A on the plus strand (C>T on the coding strand, the complement: DSC2 is on the minus strand). VCF-style: chr18-31071830-G-A. GRCh37 (hg19) VCF-style: chr18-28651796-G-A.
Other names: c.1900C>T, p.Arg634Cys (NM_004949.5); short protein forms R634C.
Identifiers: ClinVar variation 926824 (VCV000926824.10), dbSNP rs1443409965, ClinGen allele CA402113496.

ClinVar aggregate classification (germline): Uncertain significance. Review status: criteria provided, multiple submitters, no conflicts (2 of 4 stars). 4 submissions from 4 submitters: Uncertain significance (4). Last evaluated 2024-03-24.

Conditions:
Cardiovascular phenotype. Identifiers: MedGen CN230736.
Familial isolated arrhythmogenic right ventricular dysplasia. Identifiers: Orphanet 217656, MedGen C4274968, MONDO:0016342.
Arrhythmogenic right ventricular dysplasia 11. Also called: ARRHYTHMOGENIC RIGHT VENTRICULAR DYSPLASIA, FAMILIAL, 11; Arrhythmogenic Right Ventricular Dysplasia/Cardiomyopathy11; Arrhythmogenic right ventricular dysplasia 11 with mild palmoplantar keratoderma and woolly hair. Identifiers: MedGen C1864850, MONDO:0012506, OMIM 610476.
Cardiomyopathy (CMYO). Also called: Cardiomyopathies. Identifiers: Orphanet 167848, MedGen C0878544, MONDO:0004994, HP:0001638. Inheritance: Various modes of inheritance.

Allele frequency attached by ClinVar (database versions not stated): TOPMed below 0.00001; gnomAD exomes below 0.00001 and 0.00001.

Submissions (4):

All of Us Research Program, National Institutes of Health
Classification: Uncertain significance for Familial isolated arrhythmogenic right ventricular dysplasia. Last evaluated: 2024-03-24. Review status: criteria provided, single submitter. Criteria: ACMG Guidelines, 2015. Collection method: clinical testing. Allele origin: germline. Inheritance: Autosomal dominant inheritance. Observed: 2 variant alleles, 2 heterozygotes.
Comment: This missense variant replaces arginine with cysteine at codon 634 of the DSC2 protein. Computational prediction suggests that this variant may not impact protein structure and function (internally defined REVEL score threshold <= 0.5, PMID: 27666373). Splice site prediction tools suggest that this variant may not impact RNA splicing. To our knowledge, functional studies have not been performed for this variant. This variant has not been reported in individuals affected with cardiovascular disorders in the literature. This variant has been identified in 1/250242 chromosomes in the general population by the Genome Aggregation Database (gnomAD). The available evidence is insufficient to determine the role of this variant in disease conclusively. Therefore, this variant is classified as a Variant of Uncertain Significance.

This study involves interpretation of variants in research participants for the purpose of population health screening. Participant phenotype was not available at the time of variant classification. Additional details can be found in publication PMID: 35346344, PMCID: PMC8962531

Labcorp Genetics (formerly Invitae), Labcorp
Classification: Uncertain significance for Arrhythmogenic right ventricular dysplasia 11. Last evaluated: 2024-03-23. Review status: criteria provided, single submitter. Criteria: Invitae Variant Classification Sherloc (09022015). Collection method: clinical testing. Allele origin: germline.
Comment: This sequence change replaces arginine, which is basic and polar, with cysteine, which is neutral and slightly polar, at codon 634 of the DSC2 protein (p.Arg634Cys). The frequency data for this variant in the population databases is considered unreliable, as metrics indicate poor data quality at this position in the gnomAD database. This variant has not been reported in the literature in individuals affected with DSC2-related conditions. ClinVar contains an entry for this variant (Variation ID: 926824). Advanced modeling of protein sequence and biophysical properties (such as structural, functional, and spatial information, amino acid conservation, physicochemical variation, residue mobility, and thermodynamic stability) has been performed at Invitae for this missense variant, however the output from this modeling did not meet the statistical confidence thresholds required to predict the impact of this variant on DSC2 protein function. In summary, the available evidence is currently insufficient to determine the role of this variant in disease. Therefore, it has been classified as a Variant of Uncertain Significance.

Color Diagnostics, LLC DBA Color Health
Classification: Uncertain significance for Cardiomyopathy. Last evaluated: 2024-03-08. Review status: criteria provided, single submitter. Criteria: ACMG Guidelines, 2015. Collection method: clinical testing. Allele origin: germline.
Comment: This missense variant replaces arginine with cysteine at codon 634 of the DSC2 protein. Computational prediction suggests that this variant may not impact protein structure and function (internally defined REVEL score threshold <= 0.5, PMID: 27666373). To our knowledge, functional studies have not been reported for this variant. This variant has not been reported in individuals affected with DSC2-related disorders in the literature. This variant has been identified in 1/250242 chromosomes in the general population by the Genome Aggregation Database (gnomAD). The available evidence is insufficient to determine the role of this variant in disease conclusively. Therefore, this variant is classified as a Variant of Uncertain Significance.

Ambry Genetics
Classification: Uncertain significance for Cardiovascular phenotype. Last evaluated: 2023-03-08. Review status: criteria provided, single submitter. Criteria: Ambry Variant Classification Scheme 2023. Collection method: clinical testing. Allele origin: germline.
Comment: The p.R634C variant (also known as c.1900C>T), located in coding exon 13 of the DSC2 gene, results from a C to T substitution at nucleotide position 1900. The arginine at codon 634 is replaced by cysteine, an amino acid with highly dissimilar properties. This amino acid position is not well conserved in available vertebrate species. In addition, this alteration is predicted to be tolerated by in silico analysis. Since supporting evidence is limited at this time, the clinical significance of this alteration remains unclear.